The following is an entry in ClinVar:

NM_001134363.3(RBM20):c.1557G>A (p.Val519=)

Gene: RBM20 (RNA binding motif protein 20; plus strand). Cytogenetic location: 10q25.2.
Variant type: single nucleotide variant.
Coding change: c.1557G>A on transcript NM_001134363.3 (MANE Select); coding-DNA position 1557, G replaced by A.
Protein change: p.Val519=; no amino-acid change (valine 519 retained).
Molecular consequence: synonymous variant.
Genome position (GRCh38, 1-based): chr10:110,797,537, G>A. VCF-style: chr10-110797537-G-A. GRCh37 (hg19) VCF-style: chr10-112557295-G-A.
Other names: c.1557G>A (NM_001134363.1).
Identifiers: ClinVar variation 1569681 (VCV001569681.11), dbSNP rs1049924561, ClinGen allele CA213244931.

ClinVar aggregate classification (germline): Likely benign. Review status: criteria provided, multiple submitters, no conflicts (2 of 4 stars). 3 submissions from 3 submitters: Likely benign (3). Last evaluated 2026-09-01.

Conditions:
Dilated cardiomyopathy 1DD (CMD1DD). Identifiers: Orphanet 154, MedGen C2750995, MONDO:0013168, OMIM 613172.
Cardiovascular phenotype. Identifiers: MedGen CN230736.

Allele frequency attached by ClinVar (database versions not stated): gnomAD exomes 0.00001 and 0.00003; TOPMed 0.00002; gnomAD 0.00001.
gnomAD v4.1: 7 of 1,551,382 alleles (0.00045%); highest among the groups gnomAD compares: Admixed American, 0.014%; no homozygotes.

Submissions (3):

CeGaT Center for Human Genetics Tuebingen
Classification: Likely benign. Last evaluated: 2026-09-01. Review status: criteria provided, single submitter. Criteria: CeGaT Center For Human Genetics Tuebingen Variant Classification Criteria Version 2. Collection method: clinical testing. Allele origin: germline. Affected: yes. Observed: 1 variant allele.
Comment: RBM20: BP4, BP7

Labcorp Genetics (formerly Invitae), Labcorp
Classification: Likely benign for Dilated cardiomyopathy 1DD. Last evaluated: 2025-12-27. Review status: criteria provided, single submitter. Criteria: Invitae Variant Classification Sherloc (09022015). Collection method: clinical testing. Allele origin: germline.

Ambry Genetics
Classification: Likely benign for Cardiovascular phenotype. Last evaluated: 2024-09-17. Review status: criteria provided, single submitter. Criteria: Ambry Variant Classification Scheme 2023. Collection method: clinical testing. Allele origin: germline.